The following is an entry in ClinVar:

NM_053025.4(MYLK):c.1132C>T (p.Arg378Cys)

Gene: MYLK (myosin light chain kinase; minus strand). Cytogenetic location: 3q21.1.
Variant type: single nucleotide variant.
Coding change: c.1132C>T on transcript NM_053025.4 (MANE Select); coding-DNA position 1132, C replaced by T.
Protein change: p.Arg378Cys; replaces arginine 378 with cysteine.
Molecular consequence: missense variant.
Genome position (GRCh38, 1-based): chr3:123,733,864, G>A on the plus strand (C>T on the coding strand, the complement: MYLK is on the minus strand). VCF-style: chr3-123733864-G-A. GRCh37 (hg19) VCF-style: chr3-123452711-G-A.
Other names: c.604C>T, p.Arg202Cys (NM_001321309.2); c.1132C>T, p.Arg378Cys (NM_053026.4, NM_053027.4, NM_053028.4); short protein forms R202C, R378C.
Identifiers: ClinVar variation 1316010 (VCV001316010.4), dbSNP rs11920433, ClinGen allele CA354239448.
Genomic context (GRCh38, chr3:123,733,864, plus strand): 5'-CCTTGCTCACAACATCTTGGCTCCCCAGGCCAGGCTGCCTGGTGGGGAAGGTGGCTGGAC[G>A]GGGAGGAGCTGGCCTCTTCCTCTCTTCTCCAGAAGGTGATAGGACCCCCAGGCCTGGTGC-3'
Protein context (NP_444253.3, residues 368-388): GEERKRPAPP[Arg378Cys]PATFPTRQPG

ClinVar aggregate classification (germline): Uncertain significance. Review status: criteria provided, multiple submitters, no conflicts (2 of 4 stars). 2 submissions from 2 submitters: Uncertain significance (2). Last evaluated 2024-05-06.

Conditions:
Aortic aneurysm, familial thoracic 7 (AAT7). Also called: AORTIC DISSECTION, FAMILIAL, WITH OR WITHOUT AORTIC ANEURYSM. Identifiers: MedGen C3151077, MONDO:0013418, OMIM 613780.

Submissions (2):

Labcorp Genetics (formerly Invitae), Labcorp
Classification: Uncertain significance for Aortic aneurysm, familial thoracic 7. Last evaluated: 2024-05-06. Review status: criteria provided, single submitter. Criteria: Invitae Variant Classification Sherloc (09022015). Collection method: clinical testing. Allele origin: germline.
Comment: This sequence change replaces arginine, which is basic and polar, with cysteine, which is neutral and slightly polar, at codon 378 of the MYLK protein (p.Arg378Cys). This variant is present in population databases (no rsID available, gnomAD 0.006%). This variant has not been reported in the literature in individuals affected with MYLK-related conditions. ClinVar contains an entry for this variant (Variation ID: 1316010). Advanced modeling of protein sequence and biophysical properties (such as structural, functional, and spatial information, amino acid conservation, physicochemical variation, residue mobility, and thermodynamic stability) performed at Invitae indicates that this missense variant is not expected to disrupt MYLK protein function with a negative predictive value of 95%. In summary, the available evidence is currently insufficient to determine the role of this variant in disease. Therefore, it has been classified as a Variant of Uncertain Significance.

GeneDx
Classification: Uncertain significance. Last evaluated: 2019-08-15. Review status: criteria provided, single submitter. Criteria: GeneDx Variant Classification Process June 2021. Collection method: clinical testing. Allele origin: germline. Affected: yes.
Comment: Has not been previously published as pathogenic or benign to our knowledge; Not observed at a significant frequency in large population cohorts (Lek et al., 2016); In silico analysis, which includes protein predictors and evolutionary conservation, supports that this variant does not alter protein structure/function